The following is an entry in ClinVar:

ClinVar aggregate classification (germline): Uncertain significance (1 of 4 stars; one submission).

Allele frequency attached by ClinVar (database versions not stated): ExAC 0.00001; TOPMed 0.00002.
gnomAD v4.1: 10 of 1,614,204 alleles (0.00062%); highest among the groups gnomAD compares: Admixed American, 0.017%; no homozygotes.

Submission:

Labcorp Genetics (formerly Invitae), Labcorp
Classification: Uncertain significance. Last evaluated: 2025-05-30. Review status: criteria provided, single submitter. Criteria: Invitae Variant Classification Sherloc (09022015). Collection method: clinical testing. Allele origin: germline.
Comment: This sequence change replaces glutamic acid, which is acidic and polar, with glutamine, which is neutral and polar, at codon 254 of the RIPK1 protein (p.Glu254Gln). This variant is present in population databases (rs745680359, gnomAD 0.03%). This variant has not been reported in the literature in individuals affected with RIPK1-related conditions. ClinVar contains an entry for this variant (Variation ID: 3015913). An algorithm developed to predict the effect of missense changes on protein structure and function (PolyPhen-2) suggests that this variant is likely to be disruptive. In summary, the available evidence is currently insufficient to determine the role of this variant in disease. Therefore, it has been classified as a Variant of Uncertain Significance.

NM_001354930.2(RIPK1):c.760G>C (p.Glu254Gln)

Gene: RIPK1 (receptor interacting serine/threonine kinase 1; plus strand). Cytogenetic location: 6p25.2.
Variant type: single nucleotide variant.
Coding change: c.760G>C on transcript NM_001354930.2 (MANE Select); coding-DNA position 760, G replaced by C.
Protein change: p.Glu254Gln; replaces glutamic acid 254 with glutamine.
Molecular consequence: missense variant.
Genome position (GRCh38, 1-based): chr6:3,085,330, G>C. VCF-style: chr6-3085330-G-C. GRCh37 (hg19) VCF-style: chr6-3085564-G-C.
Other names: c.271G>C, p.Glu91Gln (NM_001317061.3, NM_001354932.2, NM_001354933.2 and 1 more transcripts); c.622G>C, p.Glu208Gln (NM_001354931.2); c.760G>C, p.Glu254Gln (NM_003804.6); short protein forms E254Q, E208Q, E91Q.
Identifiers: ClinVar variation 3015913 (VCV003015913.3), dbSNP rs745680359, ClinGen allele CA3618285.